The following is an entry in ClinVar:

NM_014727.3(KMT2B):c.808G>C (p.Glu270Gln)

Gene: KMT2B (lysine methyltransferase 2B; plus strand). Cytogenetic location: 19q13.12.
Variant type: single nucleotide variant.
Coding change: c.808G>C on transcript NM_014727.3 (MANE Select); coding-DNA position 808, G replaced by C.
Protein change: p.Glu270Gln; replaces glutamic acid 270 with glutamine.
Molecular consequence: missense variant.
Genome position (GRCh38, 1-based): chr19:35,720,155, G>C. VCF-style: chr19-35720155-G-C. GRCh37 (hg19) VCF-style: chr19-36211057-G-C.
Other names: short protein forms E270Q.
Identifiers: ClinVar variation 1988321 (VCV001988321.4), dbSNP rs1471322198, ClinGen allele CA405381372.
Genomic context (GRCh38, chr19:35,720,155, plus strand): 5'-CCTGAGCCCCCACCTCCTGTGGTTCCAGTGAAACATCAGACTGGCAGCTGGAAATGCAAG[G>C]AGGGGCCCGGTCCAGGACCTGGGACCCCCAGGCGTGGAGGACAGTCAAGCCGTGGAGGCC-3'
Protein context (NP_055542.1, residues 260-280): KHQTGSWKCK[Glu270Gln]GPGPGPGTPR

ClinVar aggregate classification (germline): Uncertain significance (1 of 4 stars; one submission).

Allele frequency attached by ClinVar (database versions not stated): gnomAD 0.00001; TOPMed 0.00001.
gnomAD v4.1: 5 of 1,600,682 alleles (0.00031%); highest among the groups gnomAD compares: East Asian, 0.0023%; no homozygotes.

Submission:

Labcorp Genetics (formerly Invitae), Labcorp
Classification: Uncertain significance. Last evaluated: 2022-10-17. Review status: criteria provided, single submitter. Criteria: Invitae Variant Classification Sherloc (09022015). Collection method: clinical testing. Allele origin: germline.
Comment: This variant has not been reported in the literature in individuals affected with KMT2B-related conditions. This variant is not present in population databases (gnomAD no frequency). This sequence change replaces glutamic acid, which is acidic and polar, with glutamine, which is neutral and polar, at codon 270 of the KMT2B protein (p.Glu270Gln). Advanced modeling of protein sequence and biophysical properties (such as structural, functional, and spatial information, amino acid conservation, physicochemical variation, residue mobility, and thermodynamic stability) performed at Invitae indicates that this missense variant is not expected to disrupt KMT2B protein function. In summary, the available evidence is currently insufficient to determine the role of this variant in disease. Therefore, it has been classified as a Variant of Uncertain Significance.